The following is an entry in ClinVar:

NM_001754.5(RUNX1):c.708G>C (p.Met236Ile)

Gene: RUNX1 (RUNX family transcription factor 1; minus strand). Cytogenetic location: 21q22.12.
Variant type: single nucleotide variant.
Coding change: c.708G>C on transcript NM_001754.5 (MANE Select); coding-DNA position 708, G replaced by C.
Protein change: p.Met236Ile; replaces methionine 236 with isoleucine.
Molecular consequence: missense variant.
Genome position (GRCh38, 1-based): chr21:34,834,507, C>G on the plus strand (G>C on the coding strand, the complement: RUNX1 is on the minus strand). VCF-style: chr21-34834507-C-G. GRCh37 (hg19) VCF-style: chr21-36206804-C-G.
Other names: NM_001754.5(RUNX1):c.708G>C; p.Met236Ile; c.627G>C, p.Met209Ile (NM_001001890.3, NM_001122607.2); short protein forms M236I, M209I.
Identifiers: ClinVar variation 409821 (VCV000409821.11), dbSNP rs1060502578, ClinGen allele CA16616264.

ClinVar aggregate classification (germline): Uncertain significance. Review status: reviewed by expert panel (3 of 4 stars). 3 submissions from 3 submitters: Uncertain significance (1). 2 of the submissions do not count toward it. Last evaluated 2024-11-13.

Conditions:
Hereditary thrombocytopenia and hematologic cancer predisposition syndrome. Identifiers: Orphanet 71290, MedGen CN281654, MONDO:0011071.
Inborn genetic diseases. Identifiers: MedGen C0950123, MeSH D030342.
Hereditary thrombocytopenia and hematological cancer predisposition syndrome associated with RUNX1. Also called: Familial Platelet Disorder with Propensity to Acute Myelogenous Leukemia; Familial thrombocytopenia with propensity to acute myelogenous leukemia; PLATELET DISORDER, ASPIRIN-LIKE; RUNX1 Familial Platelet Disorder with Associated Myeloid Malignancies. Identifiers: Orphanet 71290, MedGen C1832388, MeSH C563324, MONDO:0100083, OMIM 601399.

Allele frequency attached by ClinVar (database versions not stated): gnomAD exomes below 0.00001; TOPMed below 0.00001.
gnomAD v4.1: 1 of 1,613,408 alleles (0.000062%); highest among the groups gnomAD compares: Non-Finnish European, 0.000085%; no homozygotes.

Submissions (3):

ClinGen Myeloid Malignancy Variant Curation Expert Panel
Classification: Uncertain significance for Hereditary thrombocytopenia and hematologic cancer predisposition syndrome. Last evaluated: 2024-11-13. Review status: reviewed by expert panel. Criteria: ClinGen MyeloMalig ACMG Specifications v2. Collection method: curation. Allele origin: germline. Inheritance: Autosomal dominant inheritance.
Comment: NM_001754.5(RUNX1):c.708G>C (p.Met236Ile) is a missense variant which has a REVEL score < 0.50 (0.444) and a SpliceAI score ≤ 0.20 (0.02) (BP4). In summary, the clinical significance of this variant is uncertain. ACMG/AMP criteria applied, as specified by the Myeloid Malignancy Variant Curation Expert Panel for RUNX1: BP4.

Ambry Genetics
Classification: Uncertain significance for Inborn genetic diseases. Last evaluated: 2026-02-28. Review status: criteria provided, single submitter. Criteria: Ambry Variant Classification Scheme 2023. Collection method: clinical testing. Allele origin: germline. Not counted in ClinVar's aggregate classification.
Comment: The p.M236I variant (also known as c.708G>C), located in coding exon 6 of the RUNX1 gene, results from a G to C substitution at nucleotide position 708. The methionine at codon 236 is replaced by isoleucine, an amino acid with highly similar properties. This amino acid position is conserved. In addition, the in silico prediction for this alteration is inconclusive. Based on the available evidence, the clinical significance of this variant remains unclear.

Labcorp Genetics (formerly Invitae), Labcorp
Classification: Uncertain significance for Hereditary thrombocytopenia and hematological cancer predisposition syndrome associated with RUNX1. Last evaluated: 2023-09-29. Review status: criteria provided, single submitter. Criteria: Invitae Variant Classification Sherloc (09022015). Collection method: clinical testing. Allele origin: germline. Not counted in ClinVar's aggregate classification.
Comment: In summary, the available evidence is currently insufficient to determine the role of this variant in disease. Therefore, it has been classified as a Variant of Uncertain Significance. Advanced modeling of protein sequence and biophysical properties (such as structural, functional, and spatial information, amino acid conservation, physicochemical variation, residue mobility, and thermodynamic stability) performed at Invitae indicates that this missense variant is not expected to disrupt RUNX1 protein function. ClinVar contains an entry for this variant (Variation ID: 409821). This variant has not been reported in the literature in individuals affected with RUNX1-related conditions. This variant is not present in population databases (gnomAD no frequency). This sequence change replaces methionine, which is neutral and non-polar, with isoleucine, which is neutral and non-polar, at codon 236 of the RUNX1 protein (p.Met236Ile).